The following is an entry in ClinVar:

NM_001015877.2(PHF6):c.1070T>G (p.Leu357Arg)

Gene: PHF6 (PHD finger protein 6; plus strand). Cytogenetic location: Xq26.2.
Variant type: single nucleotide variant.
Coding change: c.1070T>G on transcript NM_001015877.2 (MANE Select); coding-DNA position 1070, T replaced by G.
Protein change: p.Leu357Arg; replaces leucine 357 with arginine.
Molecular consequence: missense variant.
Genome position (GRCh38, 1-based): chrX:134,425,302, T>G. VCF-style: chrX-134425302-T-G. GRCh37 (hg19) VCF-style: chrX-133559332-T-G.
Other names: c.1070T>G, p.Leu357Arg (NM_032458.3); short protein forms L357R.
Identifiers: ClinVar variation 3643428 (VCV003643428.2).

ClinVar aggregate classification (germline): Uncertain significance (1 of 4 stars; one submission).

Conditions:
Borjeson-Forssman-Lehmann syndrome (BFLS). Also called: MENTAL RETARDATION, X-LINKED, SYNDROMIC, BORJESON-FORSSMAN-LEHMANN TYPE; MENTAL RETARDATION, EPILEPSY, AND ENDOCRINE DISORDERS; BORJESON SYNDROME. Identifiers: Orphanet 127, MedGen C0265339, MONDO:0010537, OMIM 301900.

Submission:

Labcorp Genetics (formerly Invitae), Labcorp
Classification: Uncertain significance for Borjeson-Forssman-Lehmann syndrome. Last evaluated: 2024-04-01. Review status: criteria provided, single submitter. Criteria: Invitae Variant Classification Sherloc (09022015). Collection method: clinical testing. Allele origin: germline.
Comment: This sequence change replaces leucine, which is neutral and non-polar, with arginine, which is basic and polar, at codon 357 of the PHF6 protein (p.Leu357Arg). This variant is not present in population databases (gnomAD no frequency). This variant has not been reported in the literature in individuals affected with PHF6-related conditions. An algorithm developed to predict the effect of missense changes on protein structure and function (PolyPhen-2) suggests that this variant is likely to be tolerated. In summary, the available evidence is currently insufficient to determine the role of this variant in disease. Therefore, it has been classified as a Variant of Uncertain Significance.